The following is an entry in ClinVar:

NM_002049.4(GATA1):c.155_195dup (p.Ala66fs)

Gene: GATA1 (GATA binding protein 1; plus strand). Cytogenetic location: Xp11.23.
Variant type: Duplication.
Coding change: c.155_195dup on transcript NM_002049.4 (MANE Select); coding-DNA positions 155 to 195, 41 bases duplicated.
Protein change: p.Ala66fs; shifts the reading frame from alanine 66.
Molecular consequence: frameshift variant.
Genome position (GRCh38, 1-based): chrX:48,791,264-48,791,304, 41 bases duplicated. GRCh37 (hg19): chrX:48,649,671-48,649,711.
Other names: short protein forms A66fs.
Identifiers: ClinVar variation 4786408 (VCV004786408.1).
Genomic context (GRCh38, chrX:48,791,263, plus strand): 5'-GTTTTCTTCCCCTCTGGGCCTGAGGGCTTGGATGCAGCAGCTTCCTCCACTGCCCCGAGC[A>ACAGCCACCGCTGCAGCTGCGGCACTGGCCTACTACAGGGAC]CAGCCACCGCTGCAGCTGCGGCACTGGCCTACTACAGGGACGCTGAGGCCTACAGACACT-3'

ClinVar aggregate classification (germline): Pathogenic (1 of 4 stars; one submission).

Conditions:
Diamond-Blackfan anemia. Also called: Blackfan Diamond syndrome; Aregenerative anemia chronic congenital; Red cell aplasia, pure hereditary; Congenital hypoplastic anemia; Aase syndrome. Identifiers: Orphanet 124, MedGen C1260899, MeSH D029503, MONDO:0015253, HP:0004810.
GATA binding protein 1 related thrombocytopenia with dyserythropoiesis. Also called: GATA1-Related Cytopenia; GATA1-Related X-Linked Cytopenia. Identifiers: MedGen C1845837, MONDO:0100089.

Submission:

Labcorp Genetics (formerly Invitae), Labcorp
Classification: Pathogenic for GATA binding protein 1 related thrombocytopenia with dyserythropoiesis; Diamond-Blackfan anemia. Last evaluated: 2025-10-13. Review status: criteria provided, single submitter. Criteria: Invitae Variant Classification Sherloc (09022015). Collection method: clinical testing. Allele origin: germline.
Comment: This sequence change creates a premature translational stop signal (p.Ala66Glnfs*85) in the GATA1 gene. It is expected to result in an absent or disrupted protein product. Loss-of-function variants in GATA1 are known to be pathogenic (PMID: 16783379, 22706301, 23704091, 24453067). This variant is not present in population databases (gnomAD no frequency). This variant has not been reported in the literature in individuals affected with GATA1-related conditions. For these reasons, this variant has been classified as Pathogenic.

Literature cited by the submitters: PubMed 16783379; PubMed 22706301; PubMed 23704091; PubMed 24453067.